The following is an entry in ClinVar:

NM_000520.6(HEXA):c.568C>T (p.Leu190=)

Gene: HEXA (hexosaminidase subunit alpha; minus strand). Cytogenetic location: 15q23.
Variant type: single nucleotide variant.
Coding change: c.568C>T on transcript NM_000520.6 (MANE Select); coding-DNA position 568, C replaced by T.
Protein change: p.Leu190=; no amino-acid change (leucine 190 retained).
Molecular consequence: synonymous variant. On other transcripts: non-coding transcript variant (1).
Genome position (GRCh38, 1-based): chr15:72,353,070, G>A on the plus strand (C>T on the coding strand, the complement: HEXA is on the minus strand). VCF-style: chr15-72353070-G-A. GRCh37 (hg19) VCF-style: chr15-72645411-G-A.
Other names: c.601C>T, p.Leu201= (NM_001318825.2).
Identifiers: ClinVar variation 2134348 (VCV002134348.4), dbSNP rs2542532377, ClinGen allele CA491129677.

ClinVar aggregate classification (germline): Uncertain significance (1 of 4 stars; one submission).

Conditions:
Tay-Sachs disease (TSD). Also called: GM2 gangliosidosis, type 1; Hexosaminidase alpha-subunit deficiency (variant B); Sphingolipidosis, Tay-Sachs; Hexosaminidase A Deficiency; HEXA DEFICIENCY; HEXA Disorders. Identifiers: Orphanet 845, MedGen C0039373, MONDO:0010100, OMIM 272800.

Submission:

Labcorp Genetics (formerly Invitae), Labcorp
Classification: Uncertain significance for Tay-Sachs disease. Last evaluated: 2022-05-10. Review status: criteria provided, single submitter. Criteria: Invitae Variant Classification Sherloc (09022015). Collection method: clinical testing. Allele origin: germline.
Comment: This sequence change affects codon 190 of the HEXA mRNA. It is a 'silent' change, meaning that it does not change the encoded amino acid sequence of the HEXA protein. This variant is not present in population databases (gnomAD no frequency). This variant has not been reported in the literature in individuals affected with HEXA-related conditions. Algorithms developed to predict the effect of sequence changes on RNA splicing suggest that this variant may disrupt the consensus splice site. In summary, the available evidence is currently insufficient to determine the role of this variant in disease. Therefore, it has been classified as a Variant of Uncertain Significance.